The following is an entry in ClinVar:

ClinVar aggregate classification (germline): Uncertain significance (1 of 4 stars; one submission).

Allele frequency attached by ClinVar (database versions not stated): TOPMed below 0.00001; ExAC 0.00004.
gnomAD v4.1: 22 of 1,544,848 alleles (0.0014%); highest among the groups gnomAD compares: Non-Finnish European, 0.0019%; no homozygotes.

Submission:

Labcorp Genetics (formerly Invitae), Labcorp
Classification: Uncertain significance. Last evaluated: 2022-08-05. Review status: criteria provided, single submitter. Criteria: Invitae Variant Classification Sherloc (09022015). Collection method: clinical testing. Allele origin: germline.
Comment: This variant has not been reported in the literature in individuals affected with KMT2B-related conditions. In summary, the available evidence is currently insufficient to determine the role of this variant in disease. Therefore, it has been classified as a Variant of Uncertain Significance. Algorithms developed to predict the effect of missense changes on protein structure and function output the following: SIFT: "Tolerated"; PolyPhen-2: "Not Available"; Align-GVGD: "Class C0". The alanine amino acid residue is found in multiple mammalian species, which suggests that this missense change does not adversely affect protein function. The frequency data for this variant in the population databases is considered unreliable, as metrics indicate poor data quality at this position in the gnomAD database. This sequence change replaces proline, which is neutral and non-polar, with alanine, which is neutral and non-polar, at codon 2214 of the KMT2B protein (p.Pro2214Ala).

NM_014727.3(KMT2B):c.6640C>G (p.Pro2214Ala)

Gene: KMT2B (lysine methyltransferase 2B; plus strand). Cytogenetic location: 19q13.12.
Variant type: single nucleotide variant.
Coding change: c.6640C>G on transcript NM_014727.3 (MANE Select); coding-DNA position 6640, C replaced by G.
Protein change: p.Pro2214Ala; replaces proline 2214 with alanine.
Molecular consequence: missense variant.
Genome position (GRCh38, 1-based): chr19:35,733,189, C>G. VCF-style: chr19-35733189-C-G. GRCh37 (hg19) VCF-style: chr19-36224090-C-G.
Other names: short protein forms P2214A.
Identifiers: ClinVar variation 1969605 (VCV001969605.5), dbSNP rs760149111, ClinGen allele CA9385733.
Genomic context (GRCh38, chr19:35,733,189, plus strand): 5'-GTCAACAAGCTGGGGCAAGTATTTGTGAAGATGGCTGGGGAGGGTGAACCTGTCCCACCC[C>G]CAGTGAAGCAGCCACCTTTGCCCCCCACCATTTCCCCCACGGCTCCCACCTCCTGGACTC-3'
Protein context (NP_055542.1, residues 2204-2224): MAGEGEPVPP[Pro2214Ala]VKQPPLPPTI